The following is an entry in ClinVar:

NM_001164508.2(NEB):c.7982G>A (p.Trp2661Ter)

Gene: NEB (nebulin; minus strand). Cytogenetic location: 2q23.3.
Variant type: single nucleotide variant.
Coding change: c.7982G>A on transcript NM_001164508.2 (MANE Select); coding-DNA position 7982, G replaced by A.
Protein change: p.Trp2661Ter; replaces tryptophan 2661 with a stop codon.
Molecular consequence: nonsense.
Genome position (GRCh38, 1-based): chr2:151,643,328, C>T on the plus strand (G>A on the coding strand, the complement: NEB is on the minus strand). VCF-style: chr2-151643328-C-T. GRCh37 (hg19) VCF-style: chr2-152499842-C-T.
Other names: c.7982G>A, p.Trp2661Ter (NM_001164507.2, NM_001271208.2, NM_004543.5); short protein forms W2661*.
Identifiers: ClinVar variation 2087936 (VCV002087936.5), dbSNP rs2552247008, ClinGen allele CA348813915.

ClinVar aggregate classification (germline): Pathogenic/Likely pathogenic. Review status: criteria provided, multiple submitters, no conflicts (2 of 4 stars). 2 submissions from 2 submitters: Pathogenic (1); Likely pathogenic (1). Last evaluated 2024-05-25.

Conditions:
Nemaline myopathy 2 (NEM2). Also called: Nemaline myopathy 2, autosomal recessive. Identifiers: MedGen C1850569, MONDO:0009725, OMIM 256030.
Arthrogryposis multiplex congenita 6. Identifiers: MedGen C5543431, MONDO:0030281, OMIM 619334.

Submissions (2):

Fulgent Genetics
Classification: Likely pathogenic for Nemaline myopathy 2; Arthrogryposis multiplex congenita 6. Last evaluated: 2024-05-25. Review status: criteria provided, single submitter. Criteria: ACMG Guidelines, 2015. Collection method: clinical testing. Allele origin: germline.

Labcorp Genetics (formerly Invitae), Labcorp
Classification: Pathogenic for Nemaline myopathy 2. Last evaluated: 2022-10-31. Review status: criteria provided, single submitter. Criteria: Invitae Variant Classification Sherloc (09022015). Collection method: clinical testing. Allele origin: germline.
Comment: For these reasons, this variant has been classified as Pathogenic. This variant has not been reported in the literature in individuals affected with NEB-related conditions. This variant is not present in population databases (gnomAD no frequency). This sequence change creates a premature translational stop signal (p.Trp2661*) in the NEB gene. It is expected to result in an absent or disrupted protein product. Loss-of-function variants in NEB are known to be pathogenic (PMID: 25205138).

Literature cited by the submitters: PubMed 25205138 (cited by Labcorp Genetics (formerly Invitae), Labcorp).